The following is an entry in ClinVar:

ClinVar aggregate classification (germline): Uncertain significance. Review status: criteria provided, multiple submitters, no conflicts (2 of 4 stars). 3 submissions from 3 submitters: Uncertain significance (3). Last evaluated 2025-12-09.

Conditions:
Inborn genetic diseases. Identifiers: MedGen C0950123, MeSH D030342.

Allele frequency attached by ClinVar (database versions not stated): gnomAD exomes below 0.00001; gnomAD 0.00001; TOPMed 0.00001.
gnomAD v4.1: 4 of 989,398 alleles (0.0004%); highest among the groups gnomAD compares: Non-Finnish European, 0.00048%; no homozygotes.

Submissions (3):

Labcorp Genetics (formerly Invitae), Labcorp
Classification: Uncertain significance. Last evaluated: 2025-12-09. Review status: criteria provided, single submitter. Criteria: Invitae Variant Classification Sherloc (09022015). Collection method: clinical testing. Allele origin: germline.
Comment: This sequence change replaces proline, which is neutral and non-polar, with leucine, which is neutral and non-polar, at codon 81 of the MNX1 protein (p.Pro81Leu). The frequency data for this variant in the population databases is considered unreliable, as metrics indicate insufficient coverage at this position in the gnomAD database. This variant has not been reported in the literature in individuals affected with MNX1-related conditions. ClinVar contains an entry for this variant (Variation ID: 1800794). Invitae Evidence Modeling of protein sequence and biophysical properties (such as structural, functional, and spatial information, amino acid conservation, physicochemical variation, residue mobility, and thermodynamic stability) indicates that this missense variant is not expected to disrupt MNX1 protein function with a negative predictive value of 80%. In summary, the available evidence is currently insufficient to determine the role of this variant in disease. Therefore, it has been classified as a Variant of Uncertain Significance.

Ambry Genetics
Classification: Uncertain significance for Inborn genetic diseases. Last evaluated: 2025-04-11. Review status: criteria provided, single submitter. Criteria: Ambry Variant Classification Scheme 2023. Collection method: clinical testing. Allele origin: germline.

GeneDx
Classification: Uncertain significance. Last evaluated: 2022-05-17. Review status: criteria provided, single submitter. Criteria: GeneDx Variant Classification Process June 2021. Collection method: clinical testing. Allele origin: germline. Affected: yes.
Comment: Not observed at significant frequency in large population cohorts (gnomAD); In silico analysis supports that this missense variant has a deleterious effect on protein structure/function; Has not been previously published as pathogenic or benign to our knowledge

NM_005515.4(MNX1):c.242C>T (p.Pro81Leu)

Gene: MNX1 (motor neuron and pancreas homeobox 1; minus strand). Cytogenetic location: 7q36.3.
Variant type: single nucleotide variant.
Coding change: c.242C>T on transcript NM_005515.4 (MANE Select); coding-DNA position 242, C replaced by T.
Protein change: p.Pro81Leu; replaces proline 81 with leucine.
Molecular consequence: missense variant.
Genome position (GRCh38, 1-based): chr7:157,010,109, G>A on the plus strand (C>T on the coding strand, the complement: MNX1 is on the minus strand). VCF-style: chr7-157010109-G-A. GRCh37 (hg19) VCF-style: chr7-156802803-G-A.
Other names: short protein forms P81L.
Identifiers: ClinVar variation 1800794 (VCV001800794.3), dbSNP rs1257312854, ClinGen allele CA370164956.
Genomic context (GRCh38, chr7:157,010,109, plus strand): 5'-CCGCCCGCGCCCAGGAAGCCCGGCTTGGGCAGCAGCGCGCAGTGCGCGGCCAGCAGGCGC[G>A]GCGGCGACGGGCTCTCGGCGCGCAGGCGGTCGGCGGGCGCAGCCGGCGGCTCCGAGGACG-3'
Protein context (NP_005506.3, residues 71-91): DRLRAESPSP[Pro81Leu]RLLAAHCALL